The following is an entry in ClinVar:

ClinVar aggregate classification (germline): Uncertain significance. Review status: criteria provided, multiple submitters, no conflicts (2 of 4 stars). 2 submissions from 2 submitters: Uncertain significance (2). Last evaluated 2026-03-26.

Allele frequency attached by ClinVar (database versions not stated): gnomAD exomes 0.00001.
gnomAD v4.1: 14 of 1,613,936 alleles (0.00087%); highest among the groups gnomAD compares: Non-Finnish European, 0.0011%; no homozygotes.

Submissions (2):

Women's Health and Genetics/Laboratory Corporation of America, LabCorp
Classification: Uncertain significance. Last evaluated: 2026-03-26. Review status: criteria provided, single submitter. Criteria: LabCorp Variant Classification Summary - May 2015. Collection method: clinical testing. Allele origin: germline.
Comment: Variant summary: KMT2D c.5663C>T (p.Ser1888Phe) results in a non-conservative amino acid change in the encoded protein sequence. Algorithms developed to predict the effect of missense changes on protein structure and function are either unavailable or do not agree on the potential impact of this missense change. The variant was absent in 249182 control chromosomes. The available data on variant occurrences in the general population are insufficient to allow any conclusion about variant significance. To our knowledge, no occurrence of c.5663C>T in individuals affected with KMT2D-related conditions and no experimental evidence demonstrating its impact on protein function have been reported. ClinVar contains an entry for this variant (Variation ID: 3026844). Based on the evidence outlined above, the variant was classified as uncertain significance.

CeGaT Center for Human Genetics Tuebingen
Classification: Uncertain significance. Last evaluated: 2023-12-01. Review status: criteria provided, single submitter. Criteria: CeGaT Center For Human Genetics Tuebingen Variant Classification Criteria Version 2. Collection method: clinical testing. Allele origin: germline. Affected: yes. Observed: 1 variant allele.
Comment: KMT2D: PM2

NM_003482.4(KMT2D):c.5663C>T (p.Ser1888Phe)

Gene: KMT2D (lysine methyltransferase 2D; minus strand). Cytogenetic location: 12q13.12.
Variant type: single nucleotide variant.
Coding change: c.5663C>T on transcript NM_003482.4 (MANE Select); coding-DNA position 5663, C replaced by T.
Protein change: p.Ser1888Phe; replaces serine 1888 with phenylalanine.
Molecular consequence: missense variant.
Genome position (GRCh38, 1-based): chr12:49,042,860, G>A on the plus strand (C>T on the coding strand, the complement: KMT2D is on the minus strand). VCF-style: chr12-49042860-G-A. GRCh37 (hg19) VCF-style: chr12-49436643-G-A.
Other names: short protein forms S1888F.
Identifiers: ClinVar variation 3026844 (VCV003026844.23), dbSNP rs2498410426, ClinGen allele CA384629338.